The following is an entry in ClinVar:

NM_001267550.2(TTN):c.24880A>G (p.Arg8294Gly)

Gene: TTN (titin; minus strand). Cytogenetic location: 2q31.2.
Variant type: single nucleotide variant.
Coding change: c.24880A>G on transcript NM_001267550.2 (MANE Select); coding-DNA position 24880, A replaced by G.
Protein change: p.Arg8294Gly; replaces arginine 8294 with glycine.
Molecular consequence: missense variant. On other transcripts: intron variant (3).
Genome position (GRCh38, 1-based): chr2:178,718,126, T>C on the plus strand (A>G on the coding strand, the complement: TTN is on the minus strand). VCF-style: chr2-178718126-T-C. GRCh37 (hg19) VCF-style: chr2-179582853-T-C.
Other names: p.R7050G:AGA>GGA; c.23929A>G, p.Arg7977Gly (NM_001256850.1); c.21148A>G, p.Arg7050Gly (NM_133378.4); c.13282+19956A>G (NM_003319.4); c.13858+19956A>G (NM_133437.4); c.13657+19956A>G (NM_133432.3); short protein forms R8294G, R7050G, R7977G.
Identifiers: ClinVar variation 46742 (VCV000046742.51), dbSNP rs72648982, ClinGen allele CA282902.

ClinVar aggregate classification (germline): Benign/Likely benign. Review status: criteria provided, multiple submitters, no conflicts (2 of 4 stars). 26 submissions from 19 submitters: Benign (16); Likely benign (4). 6 of the submissions do not count toward it. Last evaluated 2026-02-04.

Conditions:
Dilated cardiomyopathy 1G (CMD1G). Identifiers: Orphanet 154, MedGen C1858763, MONDO:0011400, OMIM 604145.
Autosomal recessive limb-girdle muscular dystrophy type 2J (LGMDR10). Also called: MUSCULAR DYSTROPHY, LIMB-GIRDLE, AUTOSOMAL RECESSIVE 10; Limb-girdle muscular dystrophy, type 2J. Identifiers: Orphanet 140922, MedGen C1837342, MONDO:0012127, OMIM 608807.
Cardiovascular phenotype. Identifiers: MedGen CN230736.
Early-onset myopathy with fatal cardiomyopathy (CMYO5). Also called: CONGENITAL MYOPATHY 5 WITH CARDIOMYOPATHY; Salih Myopathy. Identifiers: Orphanet 289377, MedGen C2673677, MONDO:0012714, OMIM 611705. Disease mechanism: loss of function.
Myopathy, myofibrillar, 9, with early respiratory failure (MFM9). Also called: Myopathy, distal, with early respiratory failure, autosomal dominant; Hereditary myopathy with early respiratory failure; MYOPATHY, PROXIMAL, WITH EARLY RESPIRATORY MUSCLE INVOLVEMENT; EDSTROM MYOPATHY. Identifiers: Orphanet 178464, Orphanet 34521, MedGen C1863599, MONDO:0011362, OMIM 603689.
Tibial muscular dystrophy (TMD). Also called: Udd Distal Myopathy – Tibial Muscular Dystrophy; Tibial muscular dystrophy, tardive; UDD MYOPATHY. Identifiers: Orphanet 609, MedGen C1838244, MONDO:0010870, OMIM 600334.

Allele frequency attached by ClinVar (database versions not stated): 1000 Genomes Project 30x 0.01187; gnomAD 0.02031 and 0.02056; TOPMed 0.02051; 1000 Genomes Project 0.01218; ExAC 0.02105; gnomAD exomes 0.02216 and 0.02800; ESP Exome Variant Server 0.02299.
gnomAD v4.1: 44,063 of 1,611,002 alleles (2.7%); highest among the groups gnomAD compares: Middle Eastern, 5.2%; 671 homozygotes.

Submissions (26):

Labcorp Genetics (formerly Invitae), Labcorp
Classification: Benign for Dilated cardiomyopathy 1G; Autosomal recessive limb-girdle muscular dystrophy type 2J. Last evaluated: 2026-02-04. Review status: criteria provided, single submitter. Criteria: Invitae Variant Classification Sherloc (09022015). Collection method: clinical testing. Allele origin: germline.

ARUP Laboratories, Molecular Genetics and Genomics, ARUP Laboratories
Classification: Benign. Last evaluated: 2025-05-29. Review status: criteria provided, single submitter. Criteria: ARUP Molecular Germline Variant Investigation Process 2024. Collection method: clinical testing. Allele origin: germline.

Blueprint Genetics
Classification: Benign. Last evaluated: 2024-11-26. Review status: criteria provided, single submitter. Criteria: ACMG Guidelines, 2015. Collection method: clinical testing. Allele origin: germline.

Genome-Nilou Lab
Classification: Benign for Autosomal recessive limb-girdle muscular dystrophy type 2J. Last evaluated: 2021-09-10. Review status: criteria provided, single submitter. Criteria: ACMG Guidelines, 2015. Collection method: clinical testing. Allele origin: germline. Affected: no.

Genome-Nilou Lab
Classification: Benign for Myopathy, myofibrillar, 9, with early respiratory failure. Last evaluated: 2021-09-10. Review status: criteria provided, single submitter. Criteria: ACMG Guidelines, 2015. Collection method: clinical testing. Allele origin: germline. Affected: no.

Genome-Nilou Lab
Classification: Benign for Early-onset myopathy with fatal cardiomyopathy. Last evaluated: 2021-09-10. Review status: criteria provided, single submitter. Criteria: ACMG Guidelines, 2015. Collection method: clinical testing. Allele origin: germline. Affected: no.

Genome-Nilou Lab
Classification: Benign for Tibial muscular dystrophy. Last evaluated: 2021-09-10. Review status: criteria provided, single submitter. Criteria: ACMG Guidelines, 2015. Collection method: clinical testing. Allele origin: germline. Affected: no.

Women's Health and Genetics/Laboratory Corporation of America, LabCorp
Classification: Likely benign. Last evaluated: 2020-08-16. Review status: criteria provided, single submitter. Criteria: LabCorp Variant Classification Summary - May 2015. Collection method: clinical testing. Allele origin: germline.

Illumina Laboratory Services, Illumina
Classification: Benign for Myopathy, myofibrillar, 9, with early respiratory failure. Last evaluated: 2018-01-12. Review status: criteria provided, single submitter. Criteria: ICSL Variant Classification Criteria 13 December 2019. Collection method: clinical testing. Allele origin: germline.
Comment: This variant was observed in the ICSL laboratory as part of a predisposition screen in an ostensibly healthy population. It had not been previously curated by ICSL or reported in the Human Gene Mutation Database (HGMD: prior to June 1st, 2018), and was therefore a candidate for classification through an automated scoring system. Utilizing variant allele frequency, disease prevalence and penetrance estimates, and inheritance mode, an automated score was calculated to assess if this variant is too frequent to cause the disease. Based on the score and internal cut-off values, a variant classified as benign is not then subjected to further curation. The score for this variant resulted in a classification of benign for this disease.

Illumina Laboratory Services, Illumina
Classification: Benign for Tibial muscular dystrophy. Last evaluated: 2018-01-12. Review status: criteria provided, single submitter. Criteria: ICSL Variant Classification Criteria 13 December 2019. Collection method: clinical testing. Allele origin: germline.
Comment: the same text as in the submission from Illumina Laboratory Services, Illumina above.

Illumina Laboratory Services, Illumina
Classification: Likely benign for Autosomal recessive limb-girdle muscular dystrophy type 2J. Last evaluated: 2018-01-12. Review status: criteria provided, single submitter. Criteria: ICSL Variant Classification Criteria 13 December 2019. Collection method: clinical testing. Allele origin: germline.
Comment: This variant was observed in the ICSL laboratory as part of a predisposition screen in an ostensibly healthy population. It had not been previously curated by ICSL or reported in the Human Gene Mutation Database (HGMD: prior to June 1st, 2018), and was therefore a candidate for classification through an automated scoring system. Utilizing variant allele frequency, disease prevalence and penetrance estimates, and inheritance mode, an automated score was calculated to assess if this variant is too frequent to cause the disease. Based on the score and internal cut-off values, a variant classified as likely benign is not then subjected to further curation. The score for this variant resulted in a classification of likely benign for this disease.

Illumina Laboratory Services, Illumina
Classification: Benign for Early-onset myopathy with fatal cardiomyopathy. Last evaluated: 2018-01-12. Review status: criteria provided, single submitter. Criteria: ICSL Variant Classification Criteria 13 December 2019. Collection method: clinical testing. Allele origin: germline.
Comment: the same text as in the submission from Illumina Laboratory Services, Illumina above.

Illumina Laboratory Services, Illumina
Classification: Likely benign for Dilated cardiomyopathy 1G. Last evaluated: 2018-01-12. Review status: criteria provided, single submitter. Criteria: ICSL Variant Classification Criteria 13 December 2019. Collection method: clinical testing. Allele origin: germline.
Comment: the same text as in the submission from Illumina Laboratory Services, Illumina above.

Mayo Clinic Laboratories, Mayo Clinic
Classification: Benign. Last evaluated: 2017-12-06. Review status: criteria provided, single submitter. Criteria: ACMG Guidelines, 2015. Collection method: clinical testing. Allele origin: germline. Observed: 142 variant alleles.

Biesecker Lab/Clinical Genomics Section, National Institutes of Health
Classification: Benign. Last evaluated: 2013-06-24. Review status: criteria provided, single submitter. Criteria: Ng et al. (Circ Cardiovasc Genet. 2013). Collection method: research. Allele origin: unknown. Observed: 42 variant alleles. Study: ClinSeq.
Comment: The study set was not selected for affection status in relation to any cancer. Pathogenicity categories were based on literature curation. See Pubmed ID:23861362 for details.

Medical sequencing

GeneDx
Classification: Benign. Last evaluated: 2012-10-19. Review status: criteria provided, single submitter. Criteria: GeneDx Variant Classification (06012015). Collection method: clinical testing. Allele origin: germline. Affected: yes.
Comment: This variant is considered likely benign or benign based on one or more of the following criteria: it is a conservative change, it occurs at a poorly conserved position in the protein, it is predicted to be benign by multiple in silico algorithms, and/or has population frequency not consistent with disease.

Ambry Genetics
Classification: Benign for Cardiovascular phenotype. Last evaluated: 2012-08-13. Review status: criteria provided, single submitter. Criteria: Ambry Autosomal Dominant and X-Linked criteria (10/2015). Collection method: clinical testing. Allele origin: germline. Observed: 1 variant allele.

Laboratory for Molecular Medicine, Mass General Brigham Personalized Medicine
Classification: Benign. Last evaluated: 2012-04-20. Review status: criteria provided, single submitter. Criteria: LMM Criteria. Collection method: clinical testing. Allele origin: germline. Observed: 101 variant alleles.

Breakthrough Genomics
Classification: Likely benign. Review status: criteria provided, single submitter. Criteria: ACMG Guidelines, 2015. Collection method: not provided. Allele origin: germline. Inheritance: Autosomal recessive inheritance. Affected: yes.

PreventionGenetics, part of Exact Sciences
Classification: Benign. Review status: criteria provided, single submitter. Criteria: ACMG Guidelines, 2015. Collection method: clinical testing. Allele origin: germline.

Clinical Genetics DNA and cytogenetics Diagnostics Lab, Erasmus MC, Erasmus Medical Center
Classification: Benign. Review status: no assertion criteria provided. Collection method: clinical testing. Allele origin: germline. Affected: yes. Study: VKGL Data-share Consensus. Not counted in ClinVar's aggregate classification.

Clinical Genetics, Academic Medical Center
Classification: Benign. Review status: no assertion criteria provided. Collection method: clinical testing. Allele origin: germline. Affected: yes. Study: VKGL Data-share Consensus. Not counted in ClinVar's aggregate classification.

Diagnostic Laboratory, Department of Genetics, University Medical Center Groningen
Classification: Likely benign. Review status: no assertion criteria provided. Collection method: clinical testing. Allele origin: germline. Affected: yes. Study: VKGL Data-share Consensus. Not counted in ClinVar's aggregate classification.

Genetic Services Laboratory, University of Chicago
Classification: Likely benign for AllHighlyPenetrant. Review status: no assertion criteria provided. Collection method: clinical testing. Allele origin: germline. Not counted in ClinVar's aggregate classification.
Comment: Likely benign based on allele frequency in 1000 Genomes Project or ESP global frequency and its presence in a patient with a rare or unrelated disease phenotype. NOT Sanger confirmed.

Joint Genome Diagnostic Labs from Nijmegen and Maastricht, Radboudumc and MUMC+
Classification: Benign. Review status: no assertion criteria provided. Collection method: clinical testing. Allele origin: germline. Affected: yes. Study: VKGL Data-share Consensus. Not counted in ClinVar's aggregate classification.

Laboratory of Diagnostic Genome Analysis, Leiden University Medical Center (LUMC)
Classification: Likely benign. Review status: no assertion criteria provided. Collection method: clinical testing. Allele origin: germline. Affected: yes. Study: VKGL Data-share Consensus. Not counted in ClinVar's aggregate classification.